The following is an entry in ClinVar:

ClinVar aggregate classification (germline): Uncertain significance (1 of 4 stars; one submission).

Allele frequency attached by ClinVar (database versions not stated): gnomAD exomes below 0.00001; gnomAD 0.00001.
gnomAD v4.1: 3 of 1,579,492 alleles (0.00019%); highest among the groups gnomAD compares: Non-Finnish European, 0.00026%; no homozygotes.

Submission:

Labcorp Genetics (formerly Invitae), Labcorp
Classification: Uncertain significance. Last evaluated: 2021-10-13. Review status: criteria provided, single submitter. Criteria: Invitae Variant Classification Sherloc (09022015). Collection method: clinical testing. Allele origin: germline.
Comment: In summary, the available evidence is currently insufficient to determine the role of this variant in disease. Therefore, it has been classified as a Variant of Uncertain Significance. Algorithms developed to predict the effect of missense changes on protein structure and function output the following: SIFT: "Tolerated"; PolyPhen-2: "Benign"; Align-GVGD: "Class C0". The alanine amino acid residue is found in multiple mammalian species, which suggests that this missense change does not adversely affect protein function. This variant has not been reported in the literature in individuals affected with SLC30A10-related conditions. This variant is not present in population databases (ExAC no frequency). This sequence change replaces threonine with alanine at codon 65 of the SLC30A10 protein (p.Thr65Ala). The threonine residue is weakly conserved and there is a small physicochemical difference between threonine and alanine.

NM_018713.3(SLC30A10):c.193A>G (p.Thr65Ala)

Gene: SLC30A10 (solute carrier family 30 member 10; minus strand). Cytogenetic location: 1q41.
Variant type: single nucleotide variant.
Coding change: c.193A>G on transcript NM_018713.3 (MANE Select); coding-DNA position 193, A replaced by G.
Protein change: p.Thr65Ala; replaces threonine 65 with alanine.
Molecular consequence: missense variant. On other transcripts: non-coding transcript variant (1), intron variant (1).
Genome position (GRCh38, 1-based): chr1:219,928,248, T>C on the plus strand (A>G on the coding strand, the complement: SLC30A10 is on the minus strand). VCF-style: chr1-219928248-T-C. GRCh37 (hg19) VCF-style: chr1-220101590-T-C.
Other names: c.452-1143A>G (NM_001376929.1); short protein forms T65A.
Identifiers: ClinVar variation 1386687 (VCV001386687.6), dbSNP rs1571803034, ClinGen allele CA344734142.